The following is an entry in ClinVar:

NM_000334.4(SCN4A):c.4678C>T (p.Pro1560Ser)

Genes: GH-LCR (growth hormone locus control region; plus strand), SCN4A (sodium voltage-gated channel alpha subunit 4; minus strand). Cytogenetic location: 17q23.3.
Variant type: single nucleotide variant.
Coding change: c.4678C>T on transcript NM_000334.4 (MANE Select); coding-DNA position 4678, C replaced by T.
Protein change: p.Pro1560Ser; replaces proline 1560 with serine.
Molecular consequence: missense variant.
Genome position (GRCh38, 1-based): chr17:63,941,604, G>A on the plus strand (C>T on the coding strand, the complement: SCN4A is on the minus strand). VCF-style: chr17-63941604-G-A. GRCh37 (hg19) VCF-style: chr17-62018964-G-A.
Other names: short protein forms P1560S.
Identifiers: ClinVar variation 2629978 (VCV002629978.2), dbSNP rs757538531, ClinGen allele CA400615478.
Genomic context (GRCh38, chr17:63,941,604, plus strand): 5'-TGCAGAAGAAGCAGATGCCGATGGAGGGGTTGCCGCAGTCACCCTTGACACTGGTGCCCG[G>A]GTTCTCCAGGTTGGGGTCACAGTCTGGGGGCCCGCTGTTGAGGATGGGGTTGAGGAGCCC-3'
Protein context (NP_000325.4, residues 1550-1570): PPDCDPNLEN[Pro1560Ser]GTSVKGDCGN

ClinVar aggregate classification (germline): Uncertain significance. Review status: criteria provided, multiple submitters, no conflicts (2 of 4 stars). 2 submissions from 2 submitters: Uncertain significance (2). Last evaluated 2024-05-31.

Conditions:
Congenital myopathy 22A, classic (CMYO22A). Identifiers: MedGen C5830453, MONDO:0957247, OMIM 620351.
Hyperkalemic periodic paralysis. Also called: Familial hyperkalemic periodic paralysis; Gamstorp disease. Identifiers: Orphanet 682, MedGen C0238357, MONDO:0008224, OMIM 170500, HP:0007215.
Hypokalemic periodic paralysis, type 2 (HOKPP2). Identifiers: Orphanet 681, MedGen C2750061, MONDO:0013234, OMIM 613345.
Congenital myopathy 22B, severe fetal (CMYO22B). Identifiers: MedGen C5830501, MONDO:0957265, OMIM 620369.
Congenital myasthenic syndrome 16. Identifiers: Orphanet 590, MedGen C3280112, MONDO:0013620, OMIM 614198.
Potassium-aggravated myotonia. Also called: MYOTONIA CONGENITA, ACETAZOLAMIDE-RESPONSIVE; MYOTONIA CONGENITA, ATYPICAL; SODIUM CHANNEL MUSCLE DISEASE; Myotonia congenita, atypical, acetazolamide-responsive. Identifiers: Orphanet 612, Orphanet 99734, Orphanet 99735, Orphanet 99736, MedGen C2931826, MONDO:0018959, OMIM 608390.
Paramyotonia congenita of Von Eulenburg. Also called: Paramyotonia Congenita; PARALYSIS PERIODICA PARAMYOTONICA; Eulenburg disease; Myotonia congenita intermittens; Von Eulenburg paramyotonia congenita. Identifiers: Orphanet 684, MedGen C0221055, MONDO:0008195, OMIM 168300. Disease mechanism: loss of function.
SCN4A-related disorder. Also called: SCN4A-related disorders.

Submissions (2):

Fulgent Genetics
Classification: Uncertain significance for Paramyotonia congenita of Von Eulenburg; Hyperkalemic periodic paralysis; Potassium-aggravated myotonia; Hypokalemic periodic paralysis, type 2; Congenital myasthenic syndrome 16; Congenital myopathy 22A, classic; Congenital myopathy 22B, severe fetal. Last evaluated: 2024-05-31. Review status: criteria provided, single submitter. Criteria: ACMG Guidelines, 2015. Collection method: clinical testing. Allele origin: germline.

PreventionGenetics, part of Exact Sciences
Classification: Uncertain significance for SCN4A-related condition. Last evaluated: 2022-12-22. Review status: criteria provided, single submitter. Criteria: ACMG Guidelines, 2015. Collection method: clinical testing. Allele origin: germline.
Comment: The SCN4A c.4678C>T variant is predicted to result in the amino acid substitution p.Pro1560Ser. To our knowledge, this variant has not been reported in the literature or in a large population database, indicating this variant is rare. At this time, the clinical significance of this variant is uncertain due to the absence of conclusive functional and genetic evidence.